The following is an entry in ClinVar:

ClinVar aggregate classification (germline): Uncertain significance. Review status: criteria provided, single submitter (1 of 4 stars). 2 submissions from 2 submitters: Uncertain significance (1). 1 of the submissions does not count toward it. Last evaluated 2022-01-26.

Conditions:
COL4A3-related disorder. Also called: COL4A3-related condition; COL4A3-Related Disorders.

gnomAD v4.1: 9 of 1,610,948 alleles (0.00056%); highest among the groups gnomAD compares: East Asian, 0.0067%; no homozygotes.

Submissions (2):

Labcorp Genetics (formerly Invitae), Labcorp
Classification: Uncertain significance. Last evaluated: 2022-01-26. Review status: criteria provided, single submitter. Criteria: Invitae Variant Classification Sherloc (09022015). Collection method: clinical testing. Allele origin: germline.
Comment: This sequence change replaces threonine, which is neutral and polar, with methionine, which is neutral and non-polar, at codon 1070 of the COL4A3 protein (p.Thr1070Met). The frequency data for this variant in the population databases is considered unreliable, as metrics indicate poor data quality at this position in the gnomAD database. This variant has not been reported in the literature in individuals affected with COL4A3-related conditions. Algorithms developed to predict the effect of missense changes on protein structure and function are either unavailable or do not agree on the potential impact of this missense change (SIFT: "Tolerated"; PolyPhen-2: "Not Available"; Align-GVGD: "Class C0"). Algorithms developed to predict the effect of sequence changes on RNA splicing suggest that this variant may disrupt the consensus splice site. In summary, the available evidence is currently insufficient to determine the role of this variant in disease. Therefore, it has been classified as a Variant of Uncertain Significance.

PreventionGenetics, part of Exact Sciences
Classification: Uncertain significance for COL4A3-related condition. Last evaluated: 2024-08-16. Review status: no assertion criteria provided. Collection method: clinical testing. Allele origin: germline. Not counted in ClinVar's aggregate classification.
Comment: The COL4A3 c.3209C>T variant is predicted to result in the amino acid substitution p.Thr1070Met. This variant has been reported in the heterozygous state in an individual with hematuria and proteinuria (Hao et al. 2019. PubMed ID: 31840555). The individual's unaffected mother and sibling were also heterozygous for the variant. This variant is reported in 0.0052% of alleles in individuals of East Asian descent in gnomAD. At this time, the clinical significance of this variant is uncertain due to the absence of conclusive functional and genetic evidence.

NM_000091.5(COL4A3):c.3209C>T (p.Thr1070Met)

Genes: COL4A3 (collagen type IV alpha 3 chain; plus strand), MFF-DT (MFF divergent transcript; minus strand). Cytogenetic location: 2q36.3.
Variant type: single nucleotide variant.
Coding change: c.3209C>T on transcript NM_000091.5 (MANE Select); coding-DNA position 3209, C replaced by T.
Protein change: p.Thr1070Met; replaces threonine 1070 with methionine.
Molecular consequence: missense variant.
Genome position (GRCh38, 1-based): chr2:227,290,885, C>T. VCF-style: chr2-227290885-C-T. GRCh37 (hg19) VCF-style: chr2-228155601-C-T.
Other names: short protein forms T1070M.
Identifiers: ClinVar variation 2140372 (VCV002140372.2), dbSNP rs373628122, ClinGen allele CA350856132.
Genomic context (GRCh38, chr2:227,290,885, plus strand): 5'-AGGGAGATAAGGGAGAGCCAGGTTATTCAGAAGGTACAAGGCCAGGACCACCGGGACCAA[C>T]GGTATATAGGCCACTGAAATATTTACATTTTAGTGGTGGAGTGAGTGCCTTGAAAAATAT-3'
Protein context (NP_000082.2, residues 1060-1080): EGTRPGPPGP[Thr1070Met]GDPGLPGDMG